The following is an entry in ClinVar:

ClinVar aggregate classification (germline): Uncertain significance (1 of 4 stars; one submission).

Conditions:
Autosomal dominant nocturnal frontal lobe epilepsy 4. Also called: EPILEPSY, FAMILIAL, WITH NOCTURNAL WANDERING AND ICTAL FEAR; CHRNA2-Related Nocturnal Frontal Lobe Epilepsy, Autosomal Dominant. Identifiers: Orphanet 98784, MedGen C1835905, MONDO:0012474, OMIM 610353.

Submission:

Dasa
Classification: Uncertain significance for Autosomal dominant nocturnal frontal lobe epilepsy 4. Last evaluated: 2025-09-20. Review status: criteria provided, single submitter. Criteria: DASA Assertion Criteria. Collection method: clinical testing. Allele origin: germline.
Comment: NM_000742.4(CHRNA2):c.992A>G (p.Tyr331Cys) is a missense variant that results in the substitution of tyrosine with cysteine. This variant is absent from population databases. Computational prediction algorithms are consistent with a deleterious effect. The currently available literature and clinical evidence are not sufficient to establish a definitive association between this variant and the reported condition. Therefore, this variant is classified as a variant of uncertain significance.

NM_000742.4(CHRNA2):c.992A>G (p.Tyr331Cys)

Gene: CHRNA2 (cholinergic receptor nicotinic alpha 2 subunit; minus strand). Cytogenetic location: 8p21.2.
Variant type: single nucleotide variant.
Coding change: c.992A>G on transcript NM_000742.4 (MANE Select); coding-DNA position 992, A replaced by G.
Protein change: p.Tyr331Cys; replaces tyrosine 331 with cysteine.
Molecular consequence: missense variant.
Genome position (GRCh38, 1-based): chr8:27,463,451, T>C on the plus strand (A>G on the coding strand, the complement: CHRNA2 is on the minus strand). VCF-style: chr8-27463451-T-C. GRCh37 (hg19) VCF-style: chr8-27320968-T-C.
Other names: c.947A>G, p.Tyr316Cys (NM_001282455.2); c.515A>G, p.Tyr172Cys (NM_001347705.2, NM_001347706.2); c.398A>G, p.Tyr133Cys (NM_001347707.2, NM_001347708.2); short protein forms Y133C, Y172C, Y316C, Y331C.
Identifiers: ClinVar variation 4881400 (VCV004881400.2).
Genomic context (GRCh38, chr8:27,463,451, plus strand): 5'-TTGAGCACGAAGACGGTGATGACGATGGACAGGGTGACGAAGATCATGGTGAACAGCAGG[T>C]ACTCGCCGATGAGCGGGATGACCAGCGAGGTGGACGGGATGATCTCAGTGATGAGCAGCA-3'
Protein context (NP_000733.2, residues 321-341): TSLVIPLIGE[Tyr331Cys]LLFTMIFVTL